The following is an entry in ClinVar:

NM_172364.5(CACNA2D4):c.3310-4G>A

Gene: CACNA2D4 (calcium voltage-gated channel auxiliary subunit alpha2delta 4; minus strand). Cytogenetic location: 12p13.33.
Variant type: single nucleotide variant.
Coding change: c.3310-4G>A on transcript NM_172364.5 (MANE Select); 4 bases into the intron before coding-DNA position 3310, G replaced by A.
Molecular consequence: intron variant.
Genome position (GRCh38, 1-based): chr12:1,793,763, C>T on the plus strand (G>A on the coding strand, the complement: CACNA2D4 is on the minus strand). VCF-style: chr12-1793763-C-T. GRCh37 (hg19) VCF-style: chr12-1902929-C-T.
Identifiers: ClinVar variation 262818 (VCV000262818.15), dbSNP rs80092457, ClinGen allele CA6385953.

ClinVar aggregate classification (germline): Benign. Review status: criteria provided, multiple submitters, no conflicts (2 of 4 stars). 4 submissions from 4 submitters: Benign (4). Last evaluated 2026-02-03.

Conditions:
Retinal cone dystrophy 4 (RCD4). Identifiers: Orphanet 1872, MedGen C1864849, MONDO:0012507, OMIM 610478.

Allele frequency attached by ClinVar (database versions not stated): gnomAD 0.02738 and 0.02675; TOPMed 0.02463; 1000 Genomes Project 0.04293; gnomAD exomes 0.02616; ExAC 0.02648; 1000 Genomes Project 30x 0.04122; ESP Exome Variant Server 0.01806.
gnomAD v4.1: 20,711 of 1,611,862 alleles (1.3%); highest among the groups gnomAD compares: East Asian, 6.9%; 542 homozygotes.

Submissions (4):

Labcorp Genetics (formerly Invitae), Labcorp
Classification: Benign. Last evaluated: 2026-02-03. Review status: criteria provided, single submitter. Criteria: Invitae Variant Classification Sherloc (09022015). Collection method: clinical testing. Allele origin: germline.

Illumina Laboratory Services, Illumina
Classification: Benign for Retinal cone dystrophy 4. Last evaluated: 2018-01-13. Review status: criteria provided, single submitter. Criteria: ICSL Variant Classification Criteria 13 December 2019. Collection method: clinical testing. Allele origin: germline.
Comment: This variant was observed in the ICSL laboratory as part of a predisposition screen in an ostensibly healthy population. It had not been previously curated by ICSL or reported in the Human Gene Mutation Database (HGMD: prior to June 1st, 2018), and was therefore a candidate for classification through an automated scoring system. Utilizing variant allele frequency, disease prevalence and penetrance estimates, and inheritance mode, an automated score was calculated to assess if this variant is too frequent to cause the disease. Based on the score and internal cut-off values, a variant classified as benign is not then subjected to further curation. The score for this variant resulted in a classification of benign for this disease.

Breakthrough Genomics
Classification: Benign. Review status: criteria provided, single submitter. Criteria: ACMG Guidelines, 2015. Collection method: not provided. Allele origin: germline. Inheritance: Autosomal recessive inheritance. Affected: yes.

PreventionGenetics, part of Exact Sciences
Classification: Benign. Review status: criteria provided, single submitter. Criteria: ACMG Guidelines, 2015. Collection method: clinical testing. Allele origin: germline.